The following is an entry in ClinVar:

ClinVar aggregate classification (germline): Likely pathogenic (1 of 4 stars; one submission).

Conditions:
Hypogonadotropic hypogonadism 12 with or without anosmia (HH12). Also called: Gonadotropin deficiency familial idiopathic; GNRH1-Related GnRH Deficiency. Identifiers: Orphanet 432, MedGen C1856897, MONDO:0013914, OMIM 614841.

Submission:

Department of Pediatrics, Asan Medical Center, University of Ulsan College of Medicine
Classification: Likely pathogenic for Hypogonadotropic hypogonadism 12 with or without anosmia. Last evaluated: 2026-07-19. Review status: criteria provided, single submitter. Criteria: ACMG Guidelines, 2015. Collection method: research. Allele origin: germline. Inheritance: Autosomal recessive inheritance. Affected: yes. Observed: 1 compound heterozygote.
Comment: ACMG/AMP evidence codes: PVS1, PM2_Supporting. In silico predictions: MutationTaster disease causing. Not found in gnomAD. Novel variant.

NM_001083111.2(GNRH1):c.178_179insCT (p.Arg60fs)

Gene: GNRH1 (gonadotropin releasing hormone 1; minus strand). Cytogenetic location: 8p21.2.
Variant type: Insertion.
Coding change: c.178_179insCT on transcript NM_001083111.2 (MANE Select); coding-DNA positions 178 to 179, CT inserted.
Protein change: p.Arg60fs; shifts the reading frame from arginine 60.
Molecular consequence: frameshift variant.
Genome position: GRCh38 VCF-style: chr8-25421631-C-CAG. GRCh37 (hg19) VCF-style: chr8-25279147-C-CAG.
Other names: c.190_191insCT, p.Arg64fs (NM_000825.3); short protein forms R60fs, R64fs.
Identifiers: ClinVar variation 4879466 (VCV004879466.1).